The following is an entry in ClinVar:

NM_001374623.1(PNPLA1):c.1564T>C (p.Ser522Pro)

Gene: PNPLA1 (patatin like domain 1, omega-hydroxyceramide transacylase; plus strand). Cytogenetic location: 6p21.31.
Variant type: single nucleotide variant.
Coding change: c.1564T>C on transcript NM_001374623.1 (MANE Select); coding-DNA position 1564, T replaced by C.
Protein change: p.Ser522Pro; replaces serine 522 with proline.
Molecular consequence: missense variant.
Genome position (GRCh38, 1-based): chr6:36,307,681, T>C. VCF-style: chr6-36307681-T-C. GRCh37 (hg19) VCF-style: chr6-36275458-T-C.
Other names: c.1564T>C, p.Ser522Pro (NM_001145717.1); c.1306T>C, p.Ser436Pro (NM_001145716.2); c.1279T>C, p.Ser427Pro (NM_173676.2); short protein forms S427P, S522P, S436P.
Identifiers: ClinVar variation 257571 (VCV000257571.16), dbSNP rs4713956, ClinGen allele CA3778074.

ClinVar aggregate classification (germline): Benign. Review status: criteria provided, multiple submitters, no conflicts (2 of 4 stars). 6 submissions from 6 submitters: Benign (6). Last evaluated 2026-02-04.

Conditions:
Autosomal recessive congenital ichthyosis 10 (ARCI10). Identifiers: Orphanet 79394, MedGen C3554355, MONDO:0014011, OMIM 615024.

Allele frequency attached by ClinVar (database versions not stated): gnomAD exomes 0.63862 and 0.63986; ExAC 0.64017; 1000 Genomes Project 30x 0.65037; gnomAD 0.66066 and 0.66570; TOPMed 0.66578; ESP Exome Variant Server 0.66085; 1000 Genomes Project 0.64836.
gnomAD v4.1: 1,034,430 of 1,613,324 alleles (64%); highest among the groups gnomAD compares: African/African-American, 73%; 333,542 homozygotes.

Submissions (6):

Labcorp Genetics (formerly Invitae), Labcorp
Classification: Benign. Last evaluated: 2026-02-04. Review status: criteria provided, single submitter. Criteria: Invitae Variant Classification Sherloc (09022015). Collection method: clinical testing. Allele origin: germline.

Women's Health and Genetics/Laboratory Corporation of America, LabCorp
Classification: Benign. Last evaluated: 2021-12-03. Review status: criteria provided, single submitter. Criteria: LabCorp Variant Classification Summary - May 2015. Collection method: clinical testing. Allele origin: germline.

Genome-Nilou Lab
Classification: Benign for Autosomal recessive congenital ichthyosis 10. Last evaluated: 2021-10-25. Review status: criteria provided, single submitter. Criteria: ACMG Guidelines, 2015. Collection method: clinical testing. Allele origin: germline. Affected: no.

GeneDx
Classification: Benign. Last evaluated: 2018-11-12. Review status: criteria provided, single submitter. Criteria: GeneDx Variant Classification Process June 2021. Collection method: clinical testing. Allele origin: germline. Affected: yes.
Comment: This variant is associated with the following publications: (PMID: 31864761)

Illumina Laboratory Services, Illumina
Classification: Benign for Autosomal recessive congenital ichthyosis 10. Last evaluated: 2018-01-13. Review status: criteria provided, single submitter. Criteria: ICSL Variant Classification Criteria 13 December 2019. Collection method: clinical testing. Allele origin: germline.
Comment: This variant was observed in the ICSL laboratory as part of a predisposition screen in an ostensibly healthy population. It had not been previously curated by ICSL or reported in the Human Gene Mutation Database (HGMD: prior to June 1st, 2018), and was therefore a candidate for classification through an automated scoring system. Utilizing variant allele frequency, disease prevalence and penetrance estimates, and inheritance mode, an automated score was calculated to assess if this variant is too frequent to cause the disease. Based on the score and internal cut-off values, a variant classified as benign is not then subjected to further curation. The score for this variant resulted in a classification of benign for this disease.

PreventionGenetics, part of Exact Sciences
Classification: Benign. Review status: criteria provided, single submitter. Criteria: ACMG Guidelines, 2015. Collection method: clinical testing. Allele origin: germline.